The following is an entry in ClinVar:

ClinVar aggregate classification (germline): Likely benign (1 of 4 stars; one submission).

Allele frequency attached by ClinVar (database versions not stated): gnomAD 0.00004; TOPMed 0.00004; ExAC 0.00010; gnomAD exomes 0.00012.
gnomAD v4.1: 176 of 1,612,176 alleles (0.011%); highest among the groups gnomAD compares: Middle Eastern, 0.016%; no homozygotes.

Submissions (3):

CeGaT Center for Human Genetics Tuebingen
Classification: Likely benign. Last evaluated: 2022-10-01. Review status: criteria provided, single submitter. Criteria: CeGaT Center For Human Genetics Tuebingen Variant Classification Criteria Version 2. Collection method: clinical testing. Allele origin: germline. Affected: yes. Observed: 1 variant allele.
Comment: WDR81: BP4, BP7

Dr. Peter K. Rogan Lab, Western University
No classification provided (evidence only). Condition: Clear cell carcinoma of kidney. Review status: no classification provided. Collection method: in vitro. Allele origin: not applicable. Functional consequence: retained intron. Not counted in ClinVar's aggregate classification.

Dr. Peter K. Rogan Lab, Western University
No classification provided (evidence only). Condition: Colorectal cancer. Review status: no classification provided. Collection method: in vitro. Allele origin: not applicable. Functional consequence: retained intron. Not counted in ClinVar's aggregate classification.

NM_001163809.2(WDR81):c.4977C>T (p.Ser1659=)

Gene: WDR81 (WD repeat domain 81; plus strand). Cytogenetic location: 17p13.3.
Variant type: single nucleotide variant.
Coding change: c.4977C>T on transcript NM_001163809.2 (MANE Select); coding-DNA position 4977, C replaced by T.
Protein change: p.Ser1659=; no amino-acid change (serine 1659 retained).
Molecular consequence: synonymous variant.
Genome position (GRCh38, 1-based): chr17:1,734,014, C>T. VCF-style: chr17-1734014-C-T. GRCh37 (hg19) VCF-style: chr17-1637308-C-T.
Other names: NC_000017.10:g.1637308C>T; c.1368C>T, p.Ser456= (NM_001163673.2); c.1296C>T, p.Ser432= (NM_001163811.2); c.1824C>T, p.Ser608= (NM_152348.4).
Identifiers: ClinVar variation 2647203 (VCV002647203.25), dbSNP rs532283233, ClinGen allele CA8273723.